The following is an entry in ClinVar:

ClinVar aggregate classification (germline): Uncertain significance. Review status: criteria provided, multiple submitters, no conflicts (2 of 4 stars). 2 submissions from 2 submitters: Uncertain significance (2). Last evaluated 2025-12-01.

Conditions:
Hereditary cancer-predisposing syndrome. Also called: Neoplastic Syndromes, Hereditary; Tumor predisposition; Hereditary Cancer Syndrome; Hereditary neoplastic syndrome. Identifiers: Orphanet 140162, MedGen C0027672, MeSH D009386, MONDO:0015356.

Submissions (2):

Ambry Genetics
Classification: Uncertain significance for Hereditary cancer-predisposing syndrome. Last evaluated: 2025-12-01. Review status: criteria provided, single submitter. Criteria: Ambry Variant Classification Scheme 2023. Collection method: clinical testing. Allele origin: germline.
Comment: The p.E644G variant (also known as c.1931A>G), located in coding exon 13 of the CTNNA1 gene, results from an A to G substitution at nucleotide position 1931. The glutamic acid at codon 644 is replaced by glycine, an amino acid with similar properties. This amino acid position is highly conserved in available vertebrate species. In addition, the in silico prediction for this alteration is inconclusive. Based on the available evidence, the clinical significance of this variant remains unclear.

Labcorp Genetics (formerly Invitae), Labcorp
Classification: Uncertain significance. Last evaluated: 2018-09-26. Review status: criteria provided, single submitter. Criteria: Invitae Variant Classification Sherloc (09022015). Collection method: clinical testing. Allele origin: germline.
Comment: Algorithms developed to predict the effect of missense changes on protein structure and function are either unavailable or do not agree on the potential impact of this missense change (SIFT: "Deleterious"; PolyPhen-2: "Benign"; Align-GVGD: "Class C0"). This variant has not been reported in the literature in individuals with CTNNA1-related disease. This variant is not present in population databases (ExAC no frequency). This sequence change replaces glutamic acid with glycine at codon 644 of the CTNNA1 protein (p.Glu644Gly). The glutamic acid residue is highly conserved and there is a moderate physicochemical difference between glutamic acid and glycine. In summary, the available evidence is currently insufficient to determine the role of this variant in disease. Therefore, it has been classified as a Variant of Uncertain Significance.

NM_001903.5(CTNNA1):c.1931A>G (p.Glu644Gly)

Gene: CTNNA1 (catenin alpha 1; plus strand). Cytogenetic location: 5q31.2.
Variant type: single nucleotide variant.
Coding change: c.1931A>G on transcript NM_001903.5 (MANE Select); coding-DNA position 1931, A replaced by G.
Protein change: p.Glu644Gly; replaces glutamic acid 644 with glycine.
Molecular consequence: missense variant.
Genome position (GRCh38, 1-based): chr5:138,929,277, A>G. VCF-style: chr5-138929277-A-G. GRCh37 (hg19) VCF-style: chr5-138264966-A-G.
Other names: c.1931A>G, p.Glu644Gly (NM_001290307.3, NM_001323982.2, NM_001323983.1 and 2 more transcripts); c.1622A>G, p.Glu541Gly (NM_001290309.3); c.1562A>G, p.Glu521Gly (NM_001290310.3); c.821A>G, p.Glu274Gly (NM_001290312.1, NM_001323987.1, NM_001323988.1 and 17 more transcripts); c.1838A>G, p.Glu613Gly (NM_001323986.2); c.482A>G, p.Glu161Gly (NM_001324006.1, NM_001324007.1, NM_001324008.1 and 2 more transcripts); c.728A>G, p.Glu243Gly (NM_001324011.1); c.578A>G, p.Glu193Gly (NM_001324012.1, NM_001324013.1); and 1 more; short protein forms E521G, E613G, E161G, E274G, E541G, E193G, E243G, E644G.
Identifiers: ClinVar variation 647984 (VCV000647984.9), dbSNP rs1580895924, ClinGen allele CA361132742.
Genomic context (GRCh38, chr5:138,929,277, plus strand): 5'-CTGACCTGTGATCTTTGTCTGGGTGGCAGACCCCTGAGGAGTTGGATGACTCTGACTTTG[A>G]GACAGAAGATTTTGATGTCAGAAGCAGGACGAGCGTCCAGACAGAAGACGATCAGCTGAT-3'
Protein context (NP_001894.2, residues 634-654): TPEELDDSDF[Glu644Gly]TEDFDVRSRT